The following is an entry in ClinVar:

ClinVar aggregate classification (germline): Uncertain significance (1 of 4 stars; one submission).

Conditions:
PCNT-related disorder. Also called: PCNT-related condition.

gnomAD v4.1: 28 of 1,613,976 alleles (0.0017%); highest among the groups gnomAD compares: South Asian, 0.015%; no homozygotes.

Submission:

PreventionGenetics, part of Exact Sciences
Classification: Uncertain significance for PCNT-related condition. Last evaluated: 2025-11-12. Review status: criteria provided, single submitter. Criteria: ACMG Guidelines, 2015. Collection method: clinical testing. Allele origin: germline.
Comment: The PCNT c.8108G>A variant is predicted to result in the amino acid substitution p.Arg2703Gln. To our knowledge, this variant has not been reported in the literature. This variant is reported in 0.0033% of alleles in individuals of South Asian descent in gnomAD. At this time, the clinical significance of this variant is uncertain due to the absence of conclusive functional and genetic evidence.

NM_006031.6(PCNT):c.8108G>A (p.Arg2703Gln)

Gene: PCNT (pericentrin; plus strand). Cytogenetic location: 21q22.3.
Variant type: single nucleotide variant.
Coding change: c.8108G>A on transcript NM_006031.6 (MANE Select); coding-DNA position 8108, G replaced by A.
Protein change: p.Arg2703Gln; replaces arginine 2703 with glutamine.
Molecular consequence: missense variant.
Genome position (GRCh38, 1-based): chr21:46,431,572, G>A. VCF-style: chr21-46431572-G-A. GRCh37 (hg19) VCF-style: chr21-47851486-G-A.
Other names: c.7754G>A, p.Arg2585Gln (NM_001315529.2); short protein forms R2703Q, R2585Q.
Identifiers: ClinVar variation 4984829 (VCV004984829.1).